The following is an entry in ClinVar:

ClinVar aggregate classification (germline): Uncertain significance (1 of 4 stars; one submission).

Conditions:
Familial meningioma. Also called: Meningioma, familial, susceptibility to. Identifiers: Orphanet 263662, MedGen C3551915, MONDO:0011789, OMIM 607174.

gnomAD v4.1: 21 of 1,613,514 alleles (0.0013%); highest among the groups gnomAD compares: East Asian, 0.0045%; no homozygotes.

Submission:

Dr. Guy Rouleau's laboratory, McGill University
Classification: Uncertain significance for Familial meningioma. Last evaluated: 2025-03-22. Review status: criteria provided, single submitter. Criteria: ACMG Guidelines, 2015. Collection method: research. Allele origin: germline. Affected: yes.
Comment: This missense variant located at the position 3200, is change from Serine (S), neutral and polar amino acid to Leucine (L), neutral and nonpolar amino acid in FAT3 gene. This variant has been reported in population databases (gnomAD v2.1.1 allele frequency = 0.00001432, exome coverage 64X). Based on the available evidence, the clinical significance of this variant is unknown.

NM_001367949.2(FAT3):c.9599C>T (p.Ser3200Leu)

Gene: FAT3 (FAT atypical cadherin 3; plus strand). Cytogenetic location: 11q14.3.
Variant type: single nucleotide variant.
Coding change: c.9599C>T on transcript NM_001367949.2 (MANE Select); coding-DNA position 9599, C replaced by T.
Protein change: p.Ser3200Leu; replaces serine 3200 with leucine.
Molecular consequence: missense variant.
Genome position (GRCh38, 1-based): chr11:92,831,739, C>T. VCF-style: chr11-92831739-C-T. GRCh37 (hg19) VCF-style: chr11-92564905-C-T.
Other names: c.9599C>T, p.Ser3200Leu (NM_001008781.3); short protein forms S3200L.
Identifiers: ClinVar variation 3774553 (VCV003774553.1).